The following is an entry in ClinVar:

ClinVar aggregate classification (germline): Uncertain significance. Review status: criteria provided, multiple submitters, no conflicts (2 of 4 stars). 3 submissions from 3 submitters: Uncertain significance (3). Last evaluated 2025-03-21.

Conditions:
Tietz syndrome (TADS). Also called: ALBINISM-DEAFNESS OF TIETZ; HYPOPIGMENTATION/DEAFNESS OF TIETZ; TIETZ ALBINISM-DEAFNESS SYNDROME. Identifiers: Orphanet 42665, MedGen C0391816, MONDO:0007077, OMIM 103500.
Waardenburg syndrome type 2A (WS2A). Also called: WAARDENBURG SYNDROME WITHOUT DYSTOPIA CANTHORUM. Identifiers: Orphanet 3440, MedGen C1860339, MONDO:0008671, OMIM 193510.
Melanoma, cutaneous malignant, susceptibility to, 8. Also called: MELANOMA AND RENAL CELL CARCINOMA, SUSCEPTIBILITY TO; Cutaneous malignant melanoma 8. Identifiers: Orphanet 293822, MedGen C3152204, MONDO:0013759, OMIM 614456.
Hereditary cancer-predisposing syndrome. Also called: Neoplastic Syndromes, Hereditary; Tumor predisposition; Hereditary Cancer Syndrome; Hereditary neoplastic syndrome. Identifiers: Orphanet 140162, MedGen C0027672, MeSH D009386, MONDO:0015356.

Allele frequency attached by ClinVar (database versions not stated): TOPMed below 0.00001; gnomAD 0.00001.

Submissions (3):

Labcorp Genetics (formerly Invitae), Labcorp
Classification: Uncertain significance for Melanoma, cutaneous malignant, susceptibility to, 8; Waardenburg syndrome type 2A; Tietz syndrome. Last evaluated: 2025-03-21. Review status: criteria provided, single submitter. Criteria: Invitae Variant Classification Sherloc (09022015). Collection method: clinical testing. Allele origin: germline.
Comment: This sequence change replaces histidine, which is basic and polar, with asparagine, which is neutral and polar, at codon 417 of the MITF protein (p.His417Asn). This variant is not present in population databases (gnomAD no frequency). This variant has not been reported in the literature in individuals affected with MITF-related conditions. ClinVar contains an entry for this variant (Variation ID: 2931994). An algorithm developed to predict the effect of missense changes on protein structure and function (PolyPhen-2) suggests that this variant is likely to be disruptive. In summary, the available evidence is currently insufficient to determine the role of this variant in disease. Therefore, it has been classified as a Variant of Uncertain Significance.

GeneDx
Classification: Uncertain significance. Last evaluated: 2025-01-26. Review status: criteria provided, single submitter. Criteria: GeneDx Variant Classification Process June 2021. Collection method: clinical testing. Allele origin: germline. Affected: yes.
Comment: Not observed at significant frequency in large population cohorts (gnomAD); In silico analysis indicates that this missense variant does not alter protein structure/function; Has not been previously published as pathogenic or benign to our knowledge

Ambry Genetics
Classification: Uncertain significance for Hereditary cancer-predisposing syndrome. Last evaluated: 2024-12-17. Review status: criteria provided, single submitter. Criteria: Ambry Variant Classification Scheme 2023. Collection method: clinical testing. Allele origin: germline.
Comment: The p.H417N variant (also known as c.1249C>A), located in coding exon 9 of the MITF gene, results from a C to A substitution at nucleotide position 1249. The histidine at codon 417 is replaced by asparagine, an amino acid with similar properties. This amino acid position is conserved. In addition, this alteration is predicted to be tolerated by in silico analysis. Based on the available evidence, the clinical significance of this variant remains unclear.

NM_001354604.2(MITF):c.1570C>A (p.His524Asn)

Gene: MITF (melanocyte inducing transcription factor; plus strand). Cytogenetic location: 3p13.
Variant type: single nucleotide variant.
Coding change: c.1570C>A on transcript NM_001354604.2 (MANE Select); coding-DNA position 1570, C replaced by A.
Protein change: p.His524Asn; replaces histidine 524 with asparagine.
Molecular consequence: missense variant.
Genome position (GRCh38, 1-based): chr3:69,965,237, C>A. VCF-style: chr3-69965237-C-A. GRCh37 (hg19) VCF-style: chr3-70014388-C-A.
Other names: c.1249C>A, p.His417Asn (NM_000248.4); c.1396C>A, p.His466Asn (NM_001184967.2, NM_001354608.2); c.1567C>A, p.His523Asn (NM_001354605.2); c.1549C>A, p.His517Asn (NM_001354606.2, NM_006722.3); c.1501C>A, p.His501Asn (NM_001354607.2); c.1231C>A, p.His411Asn (NM_198158.3); c.1552C>A, p.His518Asn (NM_198159.3); c.1504C>A, p.His502Asn (NM_198177.3); and 1 more; short protein forms H518N, H417N, H466N, H524N, H355N, H411N, H517N, H523N.
Identifiers: ClinVar variation 2931994 (VCV002931994.5), dbSNP rs778560560, ClinGen allele CA353560120.
Genomic context (GRCh38, chr3:69,965,237, plus strand): 5'-TCCCCCGGAGCTTCCAAAACAAGCAGCCGGAGGAGCAGTATGAGCATGGAAGAGACGGAG[C>A]ACACTTGTTAGCGAATCCTCCCTGCACTGCATTCGCACAAACTGCTTCCTTTCTTGATTC-3'
Protein context (NP_001341533.1, residues 514-526): RSSMSMEETE[His524Asn]TC